The following is an entry in ClinVar:

NM_000264.5(PTCH1):c.76C>G (p.Arg26Gly)

Genes: PTCH1 (patched 1; minus strand), LOC130002133 (ATAC-STARR-seq lymphoblastoid silent region 20071; plus strand). Cytogenetic location: 9q22.32.
Variant type: single nucleotide variant.
Coding change: c.76C>G on transcript NM_000264.5 (MANE Select); coding-DNA position 76, C replaced by G.
Protein change: p.Arg26Gly; replaces arginine 26 with glycine.
Molecular consequence: missense variant. On other transcripts: non-coding transcript variant (1), intron variant (3).
Genome position (GRCh38, 1-based): chr9:95,508,286, G>C on the plus strand (C>G on the coding strand, the complement: PTCH1 is on the minus strand). VCF-style: chr9-95508286-G-C. GRCh37 (hg19) VCF-style: chr9-98270568-G-C.
Other names: c.76C>G, p.Arg26Gly (NM_001354918.2); c.199-1687C>G (NM_001083603.3); c.4-1687C>G (NM_001083602.3, NM_001354919.2); short protein forms R26G.
Identifiers: ClinVar variation 4845086 (VCV004845086.1).

ClinVar aggregate classification (germline): Uncertain significance (1 of 4 stars; one submission).

Conditions:
Hereditary cancer-predisposing syndrome. Also called: Neoplastic Syndromes, Hereditary; Tumor predisposition; Hereditary Cancer Syndrome; Hereditary neoplastic syndrome. Identifiers: Orphanet 140162, MedGen C0027672, MeSH D009386, MONDO:0015356.

gnomAD v4.1: 1 of 1,541,548 alleles (0.000065%); highest among the groups gnomAD compares: South Asian, 0.0012%; no homozygotes.

Submission:

Ambry Genetics
Classification: Uncertain significance for Hereditary cancer-predisposing syndrome. Last evaluated: 2026-02-22. Review status: criteria provided, single submitter. Criteria: Ambry Variant Classification Scheme 2023. Collection method: clinical testing. Allele origin: germline.
Comment: The p.R26G variant (also known as c.76C>G), located in coding exon 1 of the PTCH1 gene, results from a C to G substitution at nucleotide position 76. The arginine at codon 26 is replaced by glycine, an amino acid with dissimilar properties. This amino acid position is conserved. In addition, this alteration is predicted to be tolerated by in silico analysis. Based on the available evidence, the clinical significance of this variant remains unclear.